The following is an entry in ClinVar:

ClinVar aggregate classification (germline): Uncertain significance (1 of 4 stars; one submission).

Submission:

GeneDx
Classification: Uncertain significance. Last evaluated: 2023-11-26. Review status: criteria provided, single submitter. Criteria: GeneDx Variant Classification Process June 2021. Collection method: clinical testing. Allele origin: germline. Affected: yes.
Comment: Not observed at significant frequency in large population cohorts (gnomAD); Has not been previously published as pathogenic or benign to our knowledge; Canonical splice site variant in a gene for which loss-of-function is not an established mechanism of disease

NM_001395159.1(UNC79):c.7242+2T>G

Gene: UNC79 (unc-79 homolog, NALCN channel complex subunit; plus strand). Cytogenetic location: 14q32.12.
Variant type: single nucleotide variant.
Coding change: c.7242+2T>G on transcript NM_001395159.1 (MANE Select); the canonical splice donor site of the intron after coding-DNA position 7242, T replaced by G.
Molecular consequence: splice donor variant.
Genome position (GRCh38, 1-based): chr14:93,686,663, T>G. VCF-style: chr14-93686663-T-G. GRCh37 (hg19) VCF-style: chr14-94153009-T-G.
Other names: c.6495+2T>G (NM_020818.5); c.7176+2T>G (NM_001346218.2).
Identifiers: ClinVar variation 3364902 (VCV003364902.1).